The following is an entry in ClinVar:

ClinVar aggregate classification (germline): Pathogenic/Likely pathogenic. Review status: criteria provided, multiple submitters, no conflicts (2 of 4 stars). 5 submissions from 5 submitters: Pathogenic (1); Likely pathogenic (4). Last evaluated 2025-10-05.

Conditions:
Glycogen storage disease, type VII (GSD7). Also called: PFKM DEFICIENCY; GSD VII; MUSCLE PHOSPHOFRUCTOKINASE DEFICIENCY; TARUI DISEASE. Identifiers: Orphanet 371, MedGen C0017926, MONDO:0009295, OMIM 232800.

Allele frequency attached by ClinVar (database versions not stated): gnomAD 0.00001; TOPMed 0.00001; gnomAD exomes 0.00002.
gnomAD v4.1: 31 of 1,605,052 alleles (0.0019%); highest among the groups gnomAD compares: Non-Finnish European, 0.0026%; no homozygotes.

Submissions (5):

Natera, Inc.
Classification: Likely pathogenic for Glycogen storage disease type VII. Last evaluated: 2025-10-05. Review status: criteria provided, single submitter. Criteria: Natera Variant Classification Schema (03/2026). Collection method: clinical testing. Allele origin: germline.
Comment: The c.1413-2A>G variant in PFKM is a canonical splice acceptor site variant predicted to affect pre-mRNA splicing, which may result in an abnormal transcript and altered protein product. This variant is expected to result in nonsense mediated decay, truncation, or a dysfunctional protein product. This variant is rare in the general population with a frequency below the threshold expected for the associated phenotype(s). Given the available evidence, this variant is classified as Likely Pathogenic.

Labcorp Genetics (formerly Invitae), Labcorp
Classification: Likely pathogenic for Glycogen storage disease, type VII. Last evaluated: 2024-12-18. Review status: criteria provided, single submitter. Criteria: Invitae Variant Classification Sherloc (09022015). Collection method: clinical testing. Allele origin: germline.
Comment: This sequence change affects an acceptor splice site in intron 15 of the PFKM gene. It is expected to disrupt RNA splicing. Variants that disrupt the donor or acceptor splice site typically lead to a loss of protein function (PMID: 16199547), and loss-of-function variants in PFKM are known to be pathogenic (PMID: 7825568, 8037209). This variant is not present in population databases (gnomAD no frequency). This variant has not been reported in the literature in individuals affected with PFKM-related conditions. ClinVar contains an entry for this variant (Variation ID: 597689). Algorithms developed to predict the effect of sequence changes on RNA splicing suggest that this variant may disrupt the consensus splice site. In summary, the currently available evidence indicates that the variant is pathogenic, but additional data are needed to prove that conclusively. Therefore, this variant has been classified as Likely Pathogenic.

Fulgent Genetics
Classification: Likely pathogenic for Glycogen storage disease, type VII. Last evaluated: 2024-05-31. Review status: criteria provided, single submitter. Criteria: ACMG Guidelines, 2015. Collection method: clinical testing. Allele origin: germline.

Baylor Genetics
Classification: Likely pathogenic for Glycogen storage disease, type VII. Last evaluated: 2023-11-08. Review status: criteria provided, single submitter. Criteria: ACMG Guidelines, 2015. Collection method: clinical testing. Allele origin: unknown.

Eurofins Ntd Llc (ga)
Classification: Pathogenic. Last evaluated: 2018-06-26. Review status: criteria provided, single submitter. Criteria: EGL ClinVar v180209 classification definitions. Collection method: clinical testing. Allele origin: germline. Observed: 1 variant allele, 1 heterozygote.

Literature cited by the submitters: PubMed 16199547 (cited by Labcorp Genetics (formerly Invitae), Labcorp); PubMed 7825568 (cited by Labcorp Genetics (formerly Invitae), Labcorp); PubMed 8037209 (cited by Labcorp Genetics (formerly Invitae), Labcorp).

NM_000289.6(PFKM):c.1413-2A>G

Gene: PFKM (phosphofructokinase, muscle; plus strand). Cytogenetic location: 12q13.11.
Variant type: single nucleotide variant.
Coding change: c.1413-2A>G on transcript NM_000289.6 (MANE Select); the canonical splice acceptor site of the intron before coding-DNA position 1413, A replaced by G.
Molecular consequence: splice acceptor variant.
Genome position (GRCh38, 1-based): chr12:48,141,738, A>G. VCF-style: chr12-48141738-A-G. GRCh37 (hg19) VCF-style: chr12-48535521-A-G.
Other names: c.1437-2A>G (NM_001354741.2); c.1413-2A>G (NM_001354742.2, NM_001354743.2, NM_001354744.2 and 2 more transcripts); c.1263-2A>G (NM_001354747.2, NM_001354748.2); c.1626-2A>G (NM_001166686.2, NM_001354737.1, NM_001354739.1 and 1 more transcripts); c.1722-2A>G (NM_001354736.1, NM_001354735.1); c.1557-2A>G (NM_001354740.1); c.1326-2A>G (NM_001354745.2); c.1287-2A>G (NM_001354746.2); and 1 more.
Identifiers: ClinVar variation 597689 (VCV000597689.16), dbSNP rs1430517061, ClinGen allele CA384551542.
Genomic context (GRCh38, chr12:48,141,738, plus strand): 5'-TTTCCTGTCTCTTCCCCAAATTCCAATTCCCCTTCCCCTCCCCGCCATCACTGATCAACT[A>G]GGACTCTACCCAAGAAGAGCTTTGAACAGATCAGTGCCAATATAACTAAGTTTAACATTC-3'